The following is an entry in ClinVar:

ClinVar aggregate classification (germline): Pathogenic. Review status: criteria provided, multiple submitters, no conflicts (2 of 4 stars). 2 submissions from 2 submitters: Pathogenic (2). Last evaluated 2026-06-15.

Conditions:
CHARGE syndrome (CHARGE). Also called: Hittner Hirsch Kreh syndrome; CHARGE ASSOCIATION--COLOBOMA, HEART ANOMALY, CHOANAL ATRESIA, RETARDATION, GENITAL AND EAR ANOMALIES; Coloboma, heart anomaly, choanal atresia, retardation, genital and ear anomalies; CHARGE association; Hall-Hittner syndrome. Identifiers: Orphanet 138, MedGen C0265354, MONDO:0008965.
CHD7-related disorder. Also called: CHD7-related condition.

Submissions (2):

PreventionGenetics, part of Exact Sciences
Classification: Pathogenic for CHD7-related condition. Last evaluated: 2026-06-15. Review status: criteria provided, single submitter. Criteria: ACMG Guidelines, 2015. Collection method: clinical testing. Allele origin: germline.
Comment: The CHD7 c.619C>T variant is predicted to result in premature protein termination (p.Gln207*). This variant has been reported as de novo in an individual with CHARGE syndrome (Table S1, Janssen et al. 2012. PubMed ID: 22461308). This variant has not been reported in a large population database (gnomAD), indicating this variant is rare. Nonsense variants in CHD7 are expected to be pathogenic. This variant is interpreted as pathogenic.

Division of Medical Genetics, Department of Pediatrics, All India Institute of Medical Sciences, New Delhi
Classification: Pathogenic for CHD7-related CHARGE syndrome. Last evaluated: 2023-06-17. Review status: criteria provided, single submitter. Criteria: ACMG Guidelines, 2015. Collection method: research. Allele origin: germline. Affected: yes.

NM_017780.4(CHD7):c.619C>T (p.Gln207Ter)

Gene: CHD7 (chromodomain helicase DNA binding protein 7; plus strand). Cytogenetic location: 8q12.2.
Variant type: single nucleotide variant.
Coding change: c.619C>T on transcript NM_017780.4 (MANE Select); coding-DNA position 619, C replaced by T.
Protein change: p.Gln207Ter; replaces glutamine 207 with a stop codon.
Molecular consequence: nonsense.
Genome position (GRCh38, 1-based): chr8:60,742,051, C>T. VCF-style: chr8-60742051-C-T. GRCh37 (hg19) VCF-style: chr8-61654610-C-T.
Other names: c.619C>T, p.Gln207Ter (NM_001316690.1); short protein forms Q207*.
Identifiers: ClinVar variation 2506008 (VCV002506008.2), dbSNP rs2487267049, ClinGen allele CA371298452.